The following is an entry in ClinVar:

NM_000436.4(OXCT1):c.1403G>A (p.Arg468His)

Gene: OXCT1 (3-oxoacid CoA-transferase 1; minus strand). Cytogenetic location: 5p13.1.
Variant type: single nucleotide variant.
Coding change: c.1403G>A on transcript NM_000436.4 (MANE Select); coding-DNA position 1403, G replaced by A.
Protein change: p.Arg468His; replaces arginine 468 with histidine.
Molecular consequence: missense variant. On other transcripts: non-coding transcript variant (1).
Genome position (GRCh38, 1-based): chr5:41,749,543, C>T on the plus strand (G>A on the coding strand, the complement: OXCT1 is on the minus strand). VCF-style: chr5-41749543-C-T. GRCh37 (hg19) VCF-style: chr5-41749645-C-T.
Other names: c.1424G>A, p.Arg475His (NM_001364299.2, NM_001364300.2); c.1397G>A, p.Arg466His (NM_001364301.2); c.1313G>A, p.Arg438His (NM_001364302.2); c.845G>A, p.Arg282His (NM_001364303.2); short protein forms R468H, R282H, R466H, R475H, R438H.
Identifiers: ClinVar variation 2870837 (VCV002870837.3), dbSNP rs2112046817, ClinGen allele CA359686074.

ClinVar aggregate classification (germline): Uncertain significance (1 of 4 stars; one submission).

Conditions:
Succinyl-CoA acetoacetate transferase deficiency (SCOTD). Also called: 3-Oxoacid CoA Transferase Deficiency; SCOT DEFICIENCY; SUCCINYL-CoA:3-KETOACID CoA-TRANSFERASE DEFICIENCY; KETOACIDOSIS DUE TO SCOT DEFICIENCY; Succinyl CoA:3-oxoacid CoA transferase deficiency. Identifiers: Orphanet 832, MedGen C0342792, MONDO:0009492, OMIM 245050.

gnomAD v4.1: 5 of 1,604,456 alleles (0.00031%); highest among the groups gnomAD compares: Non-Finnish European, 0.00034%; no homozygotes.

Submission:

Labcorp Genetics (formerly Invitae), Labcorp
Classification: Uncertain significance for Succinyl-CoA acetoacetate transferase deficiency. Last evaluated: 2023-01-24. Review status: criteria provided, single submitter. Criteria: Invitae Variant Classification Sherloc (09022015). Collection method: clinical testing. Allele origin: germline.
Comment: In summary, the available evidence is currently insufficient to determine the role of this variant in disease. Therefore, it has been classified as a Variant of Uncertain Significance. This variant disrupts the p.Arg468 amino acid residue in OXCT1. Other variant(s) that disrupt this residue have been observed in individuals with OXCT1-related conditions (PMID: 21296660, 28488182, 33596448), which suggests that this may be a clinically significant amino acid residue. Advanced modeling of protein sequence and biophysical properties (such as structural, functional, and spatial information, amino acid conservation, physicochemical variation, residue mobility, and thermodynamic stability) performed at Invitae indicates that this missense variant is not expected to disrupt OXCT1 protein function. This missense change has been observed in individual(s) with succinyl-CoA:3-oxoacid coenzyme A transferase (SCOT) deficiency (PMID: 33596448; Invitae). This variant is not present in population databases (gnomAD no frequency). This sequence change replaces arginine, which is basic and polar, with histidine, which is basic and polar, at codon 468 of the OXCT1 protein (p.Arg468His).

Literature cited by the submitters: PubMed 21296660; PubMed 28488182; PubMed 33596448.